The following is an entry in ClinVar:

NM_005138.3(SCO2):c.180G>A (p.Arg60=)

Genes: NCAPH2 (non-SMC condensin II complex subunit H2; plus strand), SCO2 (synthesis of cytochrome C oxidase 2; minus strand). Cytogenetic location: 22q13.33.
Variant type: single nucleotide variant.
Coding change: c.180G>A on transcript NM_005138.3 (MANE Select); coding-DNA position 180, G replaced by A.
Protein change: p.Arg60=; no amino-acid change (arginine 60 retained).
Molecular consequence: synonymous variant. On other transcripts: 3 prime UTR variant (2).
Genome position (GRCh38, 1-based): chr22:50,524,232, C>T on the plus strand (G>A on the coding strand, the complement: SCO2 is on the minus strand). VCF-style: chr22-50524232-C-T. GRCh37 (hg19) VCF-style: chr22-50962661-C-T.
Other names: c.180G>A (NM_005138.2); c.180G>A, p.Arg60= (NM_001169110.1, NM_001169111.2, NM_001169109.2); c.*857C>T (NM_001185011.2, NM_152299.4).
Identifiers: ClinVar variation 2753551 (VCV002753551.4), dbSNP rs756097413, ClinGen allele CA10321276.

ClinVar aggregate classification (germline): Likely benign. Review status: criteria provided, multiple submitters, no conflicts (2 of 4 stars). 2 submissions from 2 submitters: Likely benign (2). Last evaluated 2026-09-07.

Conditions:
SCO2-related disorder. Also called: SCO2-related condition.

Allele frequency attached by ClinVar (database versions not stated): ExAC 0.00001; gnomAD 0.00001; gnomAD exomes 0.00001; TOPMed 0.00001.
gnomAD v4.1: 16 of 1,607,196 alleles (0.001%); highest among the groups gnomAD compares: South Asian, 0.012%; no homozygotes.

Submissions (2):

PreventionGenetics, part of Exact Sciences
Classification: Likely benign for SCO2-related condition. Last evaluated: 2026-09-07. Review status: criteria provided, single submitter. Criteria: ACMG Guidelines, 2015. Collection method: clinical testing. Allele origin: germline.
Comment: This variant is classified as likely benign based on ACMG/AMP sequence variant interpretation guidelines (Richards et al. 2015 PMID: 25741868, with internal and published modifications).

Labcorp Genetics (formerly Invitae), Labcorp
Classification: Likely benign. Last evaluated: 2025-12-11. Review status: criteria provided, single submitter. Criteria: Invitae Variant Classification Sherloc (09022015). Collection method: clinical testing. Allele origin: germline.